The following is an entry in ClinVar:

NM_020911.2(PLXNA4):c.4100C>G (p.Ser1367Cys)

Gene: PLXNA4 (plexin A4; minus strand). Cytogenetic location: 7q32.3.
Variant type: single nucleotide variant.
Coding change: c.4100C>G on transcript NM_020911.2 (MANE Select); coding-DNA position 4100, C replaced by G.
Protein change: p.Ser1367Cys; replaces serine 1367 with cysteine.
Molecular consequence: missense variant.
Genome position (GRCh38, 1-based): chr7:132,168,490, G>C on the plus strand (C>G on the coding strand, the complement: PLXNA4 is on the minus strand). VCF-style: chr7-132168490-G-C. GRCh37 (hg19) VCF-style: chr7-131853249-G-C.
Other names: c.4100C>G, p.Ser1367Cys (NM_001393897.1); short protein forms S1367C.
Identifiers: ClinVar variation 4983014 (VCV004983014.1).
Genomic context (GRCh38, chr7:132,168,490, plus strand): 5'-GCCACGTTGCCACGGTCGCGCATGGAGAAGCTACGCTGGGACTCAAGCGTGCGGATGAAG[G>C]ACAGCAGGAACACCTTGTTGTTGATGAGCTGGGCGAAGAGCTTCAGGCCTTTCTCCACAC-3'
Protein context (NP_065962.1, residues 1357-1377): QLINNKVFLL[Ser1367Cys]FIRTLESQRS

ClinVar aggregate classification (germline): Uncertain significance (1 of 4 stars; one submission).

Conditions:
PLXNA4-related disorder. Also called: PLXNA4-related condition.

gnomAD v4.1: 4 of 1,613,752 alleles (0.00025%); highest among the groups gnomAD compares: African/African-American, 0.0053%; no homozygotes.

Submission:

PreventionGenetics, part of Exact Sciences
Classification: Uncertain significance for PLXNA4-related condition. Last evaluated: 2025-12-09. Review status: criteria provided, single submitter. Criteria: ACMG Guidelines, 2015. Collection method: clinical testing. Allele origin: germline.
Comment: The PLXNA4 c.4100C>G variant is predicted to result in the amino acid substitution p.Ser1367Cys. To our knowledge, this variant has not been reported in the literature. This variant is reported in 0.012% of alleles in individuals of African descent in gnomAD. At this time, the clinical significance of this variant is uncertain due to the absence of conclusive functional and genetic evidence.